The following is an entry in ClinVar:

NM_033026.6(PCLO):c.6394A>G (p.Ile2132Val)

Gene: PCLO (piccolo presynaptic cytomatrix protein; minus strand). Cytogenetic location: 7q21.11.
Variant type: single nucleotide variant.
Coding change: c.6394A>G on transcript NM_033026.6 (MANE Select); coding-DNA position 6394, A replaced by G.
Protein change: p.Ile2132Val; replaces isoleucine 2132 with valine.
Molecular consequence: missense variant.
Genome position (GRCh38, 1-based): chr7:82,954,559, T>C on the plus strand (A>G on the coding strand, the complement: PCLO is on the minus strand). VCF-style: chr7-82954559-T-C. GRCh37 (hg19) VCF-style: chr7-82583875-T-C.
Other names: c.6394A>G, p.Ile2132Val (NM_014510.3); short protein forms I2132V.
Identifiers: ClinVar variation 1966791 (VCV001966791.2), dbSNP rs1306551525, ClinGen allele CA367919609.

ClinVar aggregate classification (germline): Uncertain significance (1 of 4 stars; one submission).

Allele frequency attached by ClinVar (database versions not stated): gnomAD exomes below 0.00001.
gnomAD v4.1: 3 of 1,613,958 alleles (0.00019%); highest among the groups gnomAD compares: Admixed American, 0.0017%; no homozygotes.

Submission:

Labcorp Genetics (formerly Invitae), Labcorp
Classification: Uncertain significance. Last evaluated: 2022-06-19. Review status: criteria provided, single submitter. Criteria: Invitae Variant Classification Sherloc (09022015). Collection method: clinical testing. Allele origin: germline.
Comment: This sequence change replaces isoleucine, which is neutral and non-polar, with valine, which is neutral and non-polar, at codon 2132 of the PCLO protein (p.Ile2132Val). This variant is present in population databases (no rsID available, gnomAD 0.003%). This variant has not been reported in the literature in individuals affected with PCLO-related conditions. Algorithms developed to predict the effect of missense changes on protein structure and function are either unavailable or do not agree on the potential impact of this missense change (SIFT: "Deleterious"; PolyPhen-2: "Not Available"; Align-GVGD: "Class C0"). In summary, the available evidence is currently insufficient to determine the role of this variant in disease. Therefore, it has been classified as a Variant of Uncertain Significance.